The following is an entry in ClinVar:

ClinVar aggregate classification (germline): Uncertain significance (1 of 4 stars; one submission).

Conditions:
Neurofibromatosis, type 1 (NF1). Also called: Neurofibromatosis, type I; VON RECKLINGHAUSEN DISEASE; NEUROFIBROMATOSIS, TYPE I, SOMATIC; Peripheral type neurofibromatosis. Identifiers: Orphanet 636, MedGen C0027831, MONDO:0018975, OMIM 162200. Disease mechanism: loss of function.

Submission:

Labcorp Genetics (formerly Invitae), Labcorp
Classification: Uncertain significance for Neurofibromatosis, type 1. Last evaluated: 2020-01-22. Review status: criteria provided, single submitter. Criteria: Invitae Variant Classification Sherloc (09022015). Collection method: clinical testing. Allele origin: germline.
Comment: In summary, the available evidence is currently insufficient to determine the role of this variant in disease. Therefore, it has been classified as a Variant of Uncertain Significance. Nucleotide substitutions within the consensus splice site are a relatively common cause of aberrant splicing (PMID: 17576681, 9536098). Algorithms developed to predict the effect of sequence changes on RNA splicing suggest that this variant is not likely to affect RNA splicing, but this prediction has not been confirmed by published transcriptional studies. This variant has not been reported in the literature in individuals with NF1-related conditions. This variant is not present in population databases (ExAC no frequency). This sequence change falls in intron 5 of the NF1 gene. It does not directly change the encoded amino acid sequence of the NF1 protein, but it affects a nucleotide within the consensus splice site of the intron.

Literature cited by the submitters: PubMed 17576681; PubMed 9536098.

NM_001042492.3(NF1):c.586+3A>G

Gene: NF1 (neurofibromin 1; plus strand). Cytogenetic location: 17q11.2.
Variant type: single nucleotide variant.
Coding change: c.586+3A>G on transcript NM_001042492.3 (MANE Select); 3 bases into the intron after coding-DNA position 586, A replaced by G.
Molecular consequence: intron variant.
Genome position (GRCh38, 1-based): chr17:31,170,000, A>G. VCF-style: chr17-31170000-A-G. GRCh37 (hg19) VCF-style: chr17-29497018-A-G.
Other names: c.586+3A>G (NM_000267.4, NM_001128147.3).
Identifiers: ClinVar variation 999732 (VCV000999732.5), dbSNP rs2065905008, ClinGen allele CA2255529593.